The following is an entry in ClinVar:

ClinVar aggregate classification (germline): Uncertain significance (1 of 4 stars; one submission).

Submission:

CeGaT Center for Human Genetics Tuebingen
Classification: Uncertain significance. Last evaluated: 2026-04-01. Review status: criteria provided, single submitter. Criteria: CeGaT Center For Human Genetics Tuebingen Variant Classification Criteria Version 2. Collection method: clinical testing. Allele origin: germline. Affected: yes. Observed: 1 variant allele.
Comment: GABRA5: PM2

NM_000810.4(GABRA5):c.365del (p.Asn122fs)

Gene: GABRA5 (gamma-aminobutyric acid type A receptor subunit alpha5; plus strand). Cytogenetic location: 15q12.
Variant type: Deletion.
Coding change: c.365del on transcript NM_000810.4 (MANE Select); coding-DNA position 365, one base deleted (A; older notation c.365delA).
Protein change: p.Asn122fs; shifts the reading frame from asparagine 122.
Molecular consequence: frameshift variant.
Genome position (GRCh38, 1-based): chr15:26,883,425, A deleted; the last of 2 consecutive A bases (chr15:26,883,424-26,883,425); deleting either gives the same sequence. VCF-style (leftmost placement, unchanged base first): chr15-26883423-CA-C. GRCh37 (hg19) VCF-style: chr15-27128570-CA-C.
Other names: c.365del, p.Asn122fs (NM_001165037.2); short protein forms N122fs.
Identifiers: ClinVar variation 4874560 (VCV004874560.2).